The following is an entry in ClinVar:

ClinVar aggregate classification (germline): Uncertain significance. Review status: criteria provided, multiple submitters, no conflicts (2 of 4 stars). 2 submissions from 2 submitters: Uncertain significance (2). Last evaluated 2025-08-08.

gnomAD v4.1: 4 of 1,612,560 alleles (0.00025%); highest among the groups gnomAD compares: African/African-American, 0.0027%; no homozygotes.

Submissions (2):

Ambry Genetics
Classification: Uncertain significance. Last evaluated: 2025-08-08. Review status: criteria provided, single submitter. Criteria: Ambry Variant Classification Scheme 2023. Collection method: clinical testing. Allele origin: germline.

Labcorp Genetics (formerly Invitae), Labcorp
Classification: Uncertain significance. Last evaluated: 2023-03-25. Review status: criteria provided, single submitter. Criteria: Invitae Variant Classification Sherloc (09022015). Collection method: clinical testing. Allele origin: germline.
Comment: In summary, the available evidence is currently insufficient to determine the role of this variant in disease. Therefore, it has been classified as a Variant of Uncertain Significance. An algorithm developed to predict the effect of missense changes on protein structure and function (PolyPhen-2) suggests that this variant is likely to be disruptive. This variant has not been reported in the literature in individuals affected with FUK-related conditions. This variant is not present in population databases (gnomAD no frequency). This sequence change replaces leucine, which is neutral and non-polar, with phenylalanine, which is neutral and non-polar, at codon 61 of the FUK protein (p.Leu61Phe).

NM_145059.3(FCSK):c.181C>T (p.Leu61Phe)

Gene: FCSK (fucose kinase; plus strand). Cytogenetic location: 16q22.1.
Variant type: single nucleotide variant.
Coding change: c.181C>T on transcript NM_145059.3 (MANE Select); coding-DNA position 181, C replaced by T.
Protein change: p.Leu61Phe; replaces leucine 61 with phenylalanine.
Molecular consequence: missense variant.
Genome position (GRCh38, 1-based): chr16:70,463,721, C>T. VCF-style: chr16-70463721-C-T. GRCh37 (hg19) VCF-style: chr16-70497624-C-T.
Other names: c.181C>T (NM_145059.2); short protein forms L61F.
Identifiers: ClinVar variation 2973302 (VCV002973302.4), dbSNP rs1427882811, ClinGen allele CA396558901.